The following is an entry in ClinVar:

ClinVar aggregate classification (germline): Conflicting classifications of pathogenicity. Review status: criteria provided, conflicting classifications (1 of 4 stars). 6 submissions from 6 submitters: Uncertain significance (1); Benign (3); Likely benign (1). 1 of the submissions does not count toward it. Last evaluated 2026-01-27.

Conditions:
LCT-related disorder. Also called: LCT-related condition.
Congenital lactase deficiency. Also called: ALACTASIA, CONGENITAL; DISACCHARIDE INTOLERANCE II. Identifiers: Orphanet 53690, MedGen C0268179, MONDO:0009115, OMIM 223000.

Allele frequency attached by ClinVar (database versions not stated): ESP Exome Variant Server 0.00062; 1000 Genomes Project 30x 0.00078; 1000 Genomes Project 0.00080; gnomAD 0.00084 and 0.00086; gnomAD exomes 0.00087 and 0.00091; TOPMed 0.00088; ExAC 0.00095.
gnomAD v4.1: 1,453 of 1,614,214 alleles (0.09%); highest among the groups gnomAD compares: Non-Finnish European, 0.097%; 5 homozygotes.

Submissions (6):

Labcorp Genetics (formerly Invitae), Labcorp
Classification: Benign. Last evaluated: 2026-01-27. Review status: criteria provided, single submitter. Criteria: Invitae Variant Classification Sherloc (09022015). Collection method: clinical testing. Allele origin: germline.

Mayo Clinic Laboratories, Mayo Clinic
Classification: Benign. Last evaluated: 2025-05-07. Review status: criteria provided, single submitter. Criteria: ACMG Guidelines, 2015. Collection method: clinical testing. Allele origin: germline. Observed: 1 variant allele.
Comment: BS1, BS2, BP4, BP7

Laboratory of Genetics, Children's Clinical University Hospital Latvia
Classification: Benign. Last evaluated: 2025-02-16. Review status: criteria provided, single submitter. Criteria: ACMG Guidelines, 2015. Collection method: clinical testing. Allele origin: germline. Affected: yes.

Blueprint Genetics
Classification: Likely benign. Last evaluated: 2024-11-05. Review status: criteria provided, single submitter. Criteria: ACMG Guidelines, 2015. Collection method: clinical testing. Allele origin: germline.

Illumina Laboratory Services, Illumina
Classification: Uncertain significance for Congenital lactase deficiency. Last evaluated: 2018-01-12. Review status: criteria provided, single submitter. Criteria: ICSL Variant Classification Criteria 13 December 2019. Collection method: clinical testing. Allele origin: germline.

PreventionGenetics, part of Exact Sciences
Classification: Likely benign for LCT-related condition. Last evaluated: 2023-11-30. Review status: no assertion criteria provided. Collection method: clinical testing. Allele origin: germline. Not counted in ClinVar's aggregate classification.
Comment: This variant is classified as likely benign based on ACMG/AMP sequence variant interpretation guidelines (Richards et al. 2015 PMID: 25741868, with internal and published modifications).

NM_002299.4(LCT):c.2883C>T (p.Ala961=)

Gene: LCT (lactase; minus strand). Cytogenetic location: 2q21.3.
Variant type: single nucleotide variant.
Coding change: c.2883C>T on transcript NM_002299.4 (MANE Select); coding-DNA position 2883, C replaced by T.
Protein change: p.Ala961=; no amino-acid change (alanine 961 retained).
Molecular consequence: synonymous variant.
Genome position (GRCh38, 1-based): chr2:135,809,464, G>A on the plus strand (C>T on the coding strand, the complement: LCT is on the minus strand). VCF-style: chr2-135809464-G-A. GRCh37 (hg19) VCF-style: chr2-136567034-G-A.
Other names: p.Ala961=; c.2883C>T (LRG_338t1, NM_002299.3).
Identifiers: ClinVar variation 331192 (VCV000331192.19), dbSNP rs140994860, ClinGen allele CA1888146.